The following is an entry in ClinVar:

ClinVar aggregate classification (germline): Uncertain significance (1 of 4 stars; one submission).

Conditions:
Melnick-Needles syndrome (MNS). Also called: MELNICK-NEEDLES OSTEODYSPLASTY; OSTEODYSPLASTY OF MELNICK AND NEEDLES; Melnick-Needles Syndrome (FLNA-MNS). Identifiers: Orphanet 2484, MedGen C0025237, MONDO:0010650, OMIM 309350.
Frontometaphyseal dysplasia (FMD1). Identifiers: Orphanet 1826, MedGen C0265293, MONDO:0015942.
Heterotopia, periventricular, X-linked dominant (PVNH1). Also called: PERIVENTRICULAR NODULAR HETEROTOPIA 1; X-linked periventricular heterotopia; PERIVENTRICULAR NODULAR HETEROTOPIA 4; HETEROTOPIA, PERIVENTRICULAR, 1. Identifiers: Orphanet 2149, Orphanet 82004, MedGen C1848213, MONDO:0010233, OMIM 300049.
Oto-palato-digital syndrome, type II (OPD2). Also called: FACIOPALATOOSSEOUS SYNDROME; OPD II SYNDROME; Otopalatodigital Syndrome, Type II; Otopalatodigital Syndrome Type 2 (FLNA-OPD2). Identifiers: Orphanet 669, Orphanet 90652, MedGen C1844696, MONDO:0010571, OMIM 304120.

gnomAD v4.1: 11 of 1,209,137 alleles (0.00091%); highest among the groups gnomAD compares: South Asian, 0.014%; no homozygotes.

Submission:

Labcorp Genetics (formerly Invitae), Labcorp
Classification: Uncertain significance for Oto-palato-digital syndrome, type II; Heterotopia, periventricular, X-linked dominant; Frontometaphyseal dysplasia; Melnick-Needles syndrome. Last evaluated: 2025-05-22. Review status: criteria provided, single submitter. Criteria: Invitae Variant Classification Sherloc (09022015). Collection method: clinical testing. Allele origin: germline.
Comment: This sequence change replaces alanine, which is neutral and non-polar, with valine, which is neutral and non-polar, at codon 1082 of the FLNA protein (p.Ala1082Val). This variant is not present in population databases (gnomAD no frequency). This variant has not been reported in the literature in individuals affected with FLNA-related conditions. ClinVar contains an entry for this variant (Variation ID: 3762231). Invitae Evidence Modeling of protein sequence and biophysical properties (such as structural, functional, and spatial information, amino acid conservation, physicochemical variation, residue mobility, and thermodynamic stability) indicates that this missense variant is not expected to disrupt FLNA protein function with a negative predictive value of 95%. In summary, the available evidence is currently insufficient to determine the role of this variant in disease. Therefore, it has been classified as a Variant of Uncertain Significance.

NM_001110556.2(FLNA):c.3245C>T (p.Ala1082Val)

Gene: FLNA (filamin A; minus strand). Cytogenetic location: Xq28.
Variant type: single nucleotide variant.
Coding change: c.3245C>T on transcript NM_001110556.2 (MANE Select); coding-DNA position 3245, C replaced by T.
Protein change: p.Ala1082Val; replaces alanine 1082 with valine.
Molecular consequence: missense variant.
Genome position (GRCh38, 1-based): chrX:154,360,550, G>A on the plus strand (C>T on the coding strand, the complement: FLNA is on the minus strand). VCF-style: chrX-154360550-G-A. GRCh37 (hg19) VCF-style: chrX-153588918-G-A.
Other names: c.3245C>T, p.Ala1082Val (NM_001456.4); short protein forms A1082V.
Identifiers: ClinVar variation 3762231 (VCV003762231.2).
Genomic context (GRCh38, chrX:154,360,550, plus strand): 5'-AGGCCCAGGCCACCTGTGCCGGCGCCCTTGGTGTCGATGGTGAAGCGGGCGGGGGAGCCC[G>A]CACTGCCTCCCTGCAGCCCCGGCCCAAACGCCTTCACCTGAGGGAAGAAGGGGTCAGGAG-3'
Protein context (NP_001104026.1, residues 1072-1092): AFGPGLQGGS[Ala1082Val]GSPARFTIDT